The following is an entry in ClinVar:

ClinVar aggregate classification (germline): Uncertain significance (1 of 4 stars; one submission).

Conditions:
Gorlin syndrome. Also called: Nevoid Basal Cell Carcinoma Syndrome; Basal cell nevus syndrome. Identifiers: Orphanet 377, MedGen C0004779, MONDO:0007187.
Medulloblastoma (MDB). Also called: MEDULLOBLASTOMA PREDISPOSITION SYNDROME; Medulloblastoma, somatic. Identifiers: Orphanet 616, MedGen C0025149, MeSH D008527, MONDO:0007959, OMIM 155255, HP:0002885.

Allele frequency attached by ClinVar (database versions not stated): TOPMed below 0.00001; gnomAD 0.00001; ESP Exome Variant Server 0.00008.
gnomAD v4.1: 1 of 1,613,918 alleles (0.000062%); highest among the groups gnomAD compares: African/African-American, 0.0013%; no homozygotes.

Submission:

Labcorp Genetics (formerly Invitae), Labcorp
Classification: Uncertain significance for Gorlin syndrome; Medulloblastoma. Last evaluated: 2023-08-01. Review status: criteria provided, single submitter. Criteria: Invitae Variant Classification Sherloc (09022015). Collection method: clinical testing. Allele origin: germline.
Comment: This sequence change replaces aspartic acid, which is acidic and polar, with asparagine, which is neutral and polar, at codon 285 of the SUFU protein (p.Asp285Asn). This variant is not present in population databases (gnomAD no frequency). This variant has not been reported in the literature in individuals affected with SUFU-related conditions. Advanced modeling of protein sequence and biophysical properties (such as structural, functional, and spatial information, amino acid conservation, physicochemical variation, residue mobility, and thermodynamic stability) performed at Invitae indicates that this missense variant is not expected to disrupt SUFU protein function. In summary, the available evidence is currently insufficient to determine the role of this variant in disease. Therefore, it has been classified as a Variant of Uncertain Significance.

NM_016169.4(SUFU):c.853G>A (p.Asp285Asn)

Gene: SUFU (SUFU negative regulator of hedgehog signaling; plus strand). Cytogenetic location: 10q24.32.
Variant type: single nucleotide variant.
Coding change: c.853G>A on transcript NM_016169.4 (MANE Select); coding-DNA position 853, G replaced by A.
Protein change: p.Asp285Asn; replaces aspartic acid 285 with asparagine.
Molecular consequence: missense variant.
Genome position (GRCh38, 1-based): chr10:102,597,236, G>A. VCF-style: chr10-102597236-G-A. GRCh37 (hg19) VCF-style: chr10-104356993-G-A.
Other names: c.853G>A, p.Asp285Asn (NM_001178133.2); short protein forms D285N.
Identifiers: ClinVar variation 2950532 (VCV002950532.3), dbSNP rs376865220, ClinGen allele CA212267737.